The following is an entry in ClinVar:

ClinVar aggregate classification (germline): Uncertain significance (1 of 4 stars; one submission).

Conditions:
Familial cancer of breast. Also called: hereditary breast carcinoma; BREAST CANCER, FAMILIAL; Hereditary breast cancer. Identifiers: Orphanet 227535, MedGen C0346153, MONDO:0016419, OMIM 114480. Disease mechanism: loss of function.

Submission:

Labcorp Genetics (formerly Invitae), Labcorp
Classification: Uncertain significance for Familial cancer of breast. Last evaluated: 2024-04-16. Review status: criteria provided, single submitter. Criteria: Invitae Variant Classification Sherloc (09022015). Collection method: clinical testing. Allele origin: germline.
Comment: This sequence change falls in intron 2 of the PALB2 gene. It does not directly change the encoded amino acid sequence of the PALB2 protein. This variant is not present in population databases (gnomAD no frequency). This variant has not been reported in the literature in individuals affected with PALB2-related conditions. Algorithms developed to predict the effect of sequence changes on RNA splicing suggest that this variant may disrupt the consensus splice site. In summary, the available evidence is currently insufficient to determine the role of this variant in disease. Therefore, it has been classified as a Variant of Uncertain Significance.

NM_024675.4(PALB2):c.109-7_109-3del

Gene: PALB2 (partner and localizer of BRCA2; minus strand). Cytogenetic location: 16p12.2.
Variant type: Deletion.
Coding change: c.109-7_109-3del on transcript NM_024675.4 (MANE Select); 7 bases into the intron before coding-DNA position 109 through 3 bases into the intron before coding-DNA position 109, 5 bases deleted (CCTCT; older notation c.109-7_109-3delCCTCT).
Molecular consequence: intron variant.
Genome position (GRCh38, 1-based): chr16:23,637,955-23,637,959, AGAGG deleted on the plus strand (CCTCT on the coding strand, the reverse complement: PALB2 is on the minus strand); deleting any 5 consecutive bases within chr16:23,637,955-23,637,962 gives the same sequence; the c. name uses the placement nearest the transcript's 3' end. VCF-style (leftmost placement, unchanged base first): chr16-23637954-TAGAGG-T. GRCh37 (hg19) VCF-style: chr16-23649275-TAGAGG-T.
Other names: c.-777-7_-777-3del (NM_001407308.1, NM_001407306.1, NM_001407307.1 and 5 more transcripts); c.48+3151_48+3155del (NM_001407314.1); c.-105+3151_-105+3155del (NM_001407313.1, NM_001407312.1); c.49-7_49-3del (NM_001407296.1); c.109-7_109-3del (NM_001407297.1, NM_001407302.1, NM_001407298.1 and 3 more transcripts).
Identifiers: ClinVar variation 3650060 (VCV003650060.2).
Genomic context (GRCh38, chr16:23,637,954, plus strand): 5'-TCTTGTTCTTCTACTGTTTTCTTAATAGAATGCTTAATCTTTTCAGCTCTTTGGGCACGC[TAGAGG>T]AGACAAAAACAGCCCCAGAAATACGTTTTCTTTAAAGTTTTATAGAGTCAAGAACTGTTT-3'